The following is an entry in ClinVar:

NM_001754.5(RUNX1):c.1143G>A (p.Leu381=)

Gene: RUNX1 (RUNX family transcription factor 1; minus strand). Cytogenetic location: 21q22.12.
Variant type: single nucleotide variant.
Coding change: c.1143G>A on transcript NM_001754.5 (MANE Select); coding-DNA position 1143, G replaced by A.
Protein change: p.Leu381=; no amino-acid change (leucine 381 retained).
Molecular consequence: synonymous variant.
Genome position (GRCh38, 1-based): chr21:34,792,435, C>T on the plus strand (G>A on the coding strand, the complement: RUNX1 is on the minus strand). VCF-style: chr21-34792435-C-T. GRCh37 (hg19) VCF-style: chr21-36164732-C-T.
Other names: NM_001754.5(RUNX1):c.1143G>A; p.Leu381=; c.1062G>A, p.Leu354= (NM_001001890.3).
Identifiers: ClinVar variation 2086009 (VCV002086009.6), dbSNP rs2145876281, ClinGen allele CA512341276.

ClinVar aggregate classification (germline): Likely benign. Review status: reviewed by expert panel (3 of 4 stars). 3 submissions from 3 submitters: Likely benign (1). 2 of the submissions do not count toward it. Last evaluated 2024-06-24.

Conditions:
Inborn genetic diseases. Identifiers: MedGen C0950123, MeSH D030342.
Hereditary thrombocytopenia and hematological cancer predisposition syndrome associated with RUNX1. Also called: Familial Platelet Disorder with Propensity to Acute Myelogenous Leukemia; Familial thrombocytopenia with propensity to acute myelogenous leukemia; PLATELET DISORDER, ASPIRIN-LIKE; RUNX1 Familial Platelet Disorder with Associated Myeloid Malignancies. Identifiers: Orphanet 71290, MedGen C1832388, MeSH C563324, MONDO:0100083, OMIM 601399.
Hereditary thrombocytopenia and hematologic cancer predisposition syndrome. Identifiers: Orphanet 71290, MedGen CN281654, MONDO:0011071.

Submissions (3):

ClinGen Myeloid Malignancy Variant Curation Expert Panel
Classification: Likely benign for Hereditary thrombocytopenia and hematologic cancer predisposition syndrome. Last evaluated: 2024-06-24. Review status: reviewed by expert panel. Criteria: ClinGen MyeloMalig ACMG Specifications v2. Collection method: curation. Allele origin: germline. Inheritance: Autosomal dominant inheritance.
Comment: The variant NM_001754.5(RUNX1):c.1143G>A (p.Leu381=) is a synonymous change. It is not present in any population databases (gnomAD v2.1.1 and v3.1.2) with at least 20x coverage for RUNX1 (PM2_supporting). Furthermore, the variant has a SpliceAI score of ≤ 0.20 (SpliceAI AG: 0.01), indicating a low likelihood of affecting splicing. Evolutionary conservation prediction algorithms suggest that the site is not conserved (PhyloP score 0.342 < 2.0) or that the variant is the reference nucleotide in only one primate and/or three mammal species (BP7). Additionally, there is no previous report of this variant. In summary, this variant meets the criteria to be classified as likely benign. ACMG/AMP criteria applied, as specified by the Myeloid Malignancy Variant Curation Expert Panel for RUNX1: PM2_supporting, BP4, BP7.

Ambry Genetics
Classification: Likely benign for Inborn genetic diseases. Last evaluated: 2025-04-01. Review status: criteria provided, single submitter. Criteria: Ambry Variant Classification Scheme 2023. Collection method: clinical testing. Allele origin: germline. Not counted in ClinVar's aggregate classification.

Labcorp Genetics (formerly Invitae), Labcorp
Classification: Likely benign for Hereditary thrombocytopenia and hematological cancer predisposition syndrome associated with RUNX1. Last evaluated: 2023-08-04. Review status: criteria provided, single submitter. Criteria: Invitae Variant Classification Sherloc (09022015). Collection method: clinical testing. Allele origin: germline. Not counted in ClinVar's aggregate classification.